The following is an entry in ClinVar:

NM_000222.3(KIT):c.1775-3C>T

Gene: KIT (KIT proto-oncogene, receptor tyrosine kinase; plus strand). Cytogenetic location: 4q12.
Variant type: single nucleotide variant.
Coding change: c.1775-3C>T on transcript NM_000222.3 (MANE Select); 3 bases into the intron before coding-DNA position 1775, C replaced by T.
Molecular consequence: intron variant.
Genome position (GRCh38, 1-based): chr4:54,727,820, C>T. VCF-style: chr4-54727820-C-T. GRCh37 (hg19) VCF-style: chr4-55593986-C-T.
Other names: c.1778-3C>T (NM_001385284.1, NM_001385290.1); c.1766-3C>T (NM_001385288.1, NM_001385292.1); c.1775-3C>T (NM_001385285.1); c.1763-3C>T (NM_001093772.2, NM_001385286.1).
Identifiers: ClinVar variation 1505405 (VCV001505405.6), dbSNP rs2109779202, ClinGen allele CA2573138229.

ClinVar aggregate classification (germline): Uncertain significance (1 of 4 stars; one submission).

Conditions:
Gastrointestinal stromal tumor. Also called: Gastrointestinal stromal tumor, somatic; Gastrointestinal stroma tumor. Identifiers: Orphanet 44890, MedGen C0238198, MeSH D046152, MONDO:0011719, OMIM 606764, HP:0100723.

Allele frequency attached by ClinVar (database versions not stated): gnomAD exomes below 0.00001.
gnomAD v4.1: 1 of 1,611,732 alleles (0.000062%); highest among the groups gnomAD compares: Non-Finnish European, 0.000085%; no homozygotes.

Submission:

Labcorp Genetics (formerly Invitae), Labcorp
Classification: Uncertain significance for Gastrointestinal stromal tumor. Last evaluated: 2023-07-10. Review status: criteria provided, single submitter. Criteria: Invitae Variant Classification Sherloc (09022015). Collection method: clinical testing. Allele origin: germline.
Comment: This sequence change falls in intron 11 of the KIT gene. It does not directly change the encoded amino acid sequence of the KIT protein. It affects a nucleotide within the consensus splice site. This variant is not present in population databases (gnomAD no frequency). This variant has not been reported in the literature in individuals affected with KIT-related conditions. ClinVar contains an entry for this variant (Variation ID: 1505405). Variants that disrupt the consensus splice site are a relatively common cause of aberrant splicing (PMID: 17576681, 9536098). Algorithms developed to predict the effect of sequence changes on RNA splicing suggest that this variant is not likely to affect RNA splicing. In summary, the available evidence is currently insufficient to determine the role of this variant in disease. Therefore, it has been classified as a Variant of Uncertain Significance.

Literature cited by the submitters: PubMed 17576681; PubMed 9536098.